The following is an entry in ClinVar:

NM_201384.3(PLEC):c.6618C>T (p.Asp2206=)

Gene: PLEC (plectin; minus strand). Cytogenetic location: 8q24.3.
Variant type: single nucleotide variant.
Coding change: c.6618C>T on transcript NM_201384.3 (MANE Select); coding-DNA position 6618, C replaced by T.
Protein change: p.Asp2206=; no amino-acid change (aspartic acid 2206 retained).
Molecular consequence: synonymous variant.
Genome position (GRCh38, 1-based): chr8:143,923,311, G>A on the plus strand (C>T on the coding strand, the complement: PLEC is on the minus strand). VCF-style: chr8-143923311-G-A. GRCh37 (hg19) VCF-style: chr8-144997479-G-A.
Other names: c.6699C>T, p.Asp2233= (NM_000445.5); c.6576C>T, p.Asp2192= (NM_201378.4); c.6552C>T, p.Asp2184= (NM_201379.3); c.7029C>T, p.Asp2343= (NM_201380.4); c.6522C>T, p.Asp2174= (NM_201381.3); c.6618C>T, p.Asp2206= (NM_201382.4); c.6630C>T, p.Asp2210= (NM_201383.3).
Identifiers: ClinVar variation 386887 (VCV000386887.10), dbSNP rs200658318, ClinGen allele CA4925927.

ClinVar aggregate classification (germline): Likely benign. Review status: criteria provided, multiple submitters, no conflicts (2 of 4 stars). 3 submissions from 3 submitters: Likely benign (3). Last evaluated 2026-02-01.

Conditions:
Autosomal recessive limb-girdle muscular dystrophy type 2Q (LGMDR17). Also called: MUSCULAR DYSTROPHY, LIMB-GIRDLE, AUTOSOMAL RECESSIVE 17. Identifiers: Orphanet 254361, MedGen C3150989, MONDO:0013390, OMIM 613723.
Epidermolysis bullosa simplex 5C, with pyloric atresia (EBS5C). Also called: PLEC1-Related Epidermolysis Bullosa with Pyloric Atresia; PLEC-Related Epidermolysis Bullosa with Pyloric Atresia; Epidermolysis bullosa simplex with pyloric atresia. Identifiers: Orphanet 158684, MedGen C2677349, MONDO:0012807, OMIM 612138.
Epidermolysis bullosa simplex with nail dystrophy (EBS5D). Identifiers: MedGen C4225309, MONDO:0014661, OMIM 616487.
Epidermolysis bullosa simplex, Ogna type (EBS5A). Also called: Pidermolysis bullosa simplex 5A, Ogna type; EPIDERMOLYSIS BULLOSA SIMPLEX 5A, OGNA TYPE. Identifiers: Orphanet 79401, MedGen C0432317, MONDO:0007555, OMIM 131950.
Epidermolysis bullosa simplex 5B, with muscular dystrophy (EBS5B). Also called: Epidermolysis bullosa simplex with muscular dystrophy; EPIDERMOLYSIS BULLOSA SIMPLEX AND LIMB-GIRDLE MUSCULAR DYSTROPHY. Identifiers: Orphanet 257, MedGen C2931072, MONDO:0009181, OMIM 226670.

Allele frequency attached by ClinVar (database versions not stated): gnomAD 0.00003; TOPMed 0.00006; 1000 Genomes Project 30x 0.00031; 1000 Genomes Project 0.00040.
gnomAD v4.1: 311 of 1,609,358 alleles (0.019%); highest among the groups gnomAD compares: East Asian, 0.64%; 2 homozygotes.

Submissions (3):

Labcorp Genetics (formerly Invitae), Labcorp
Classification: Likely benign for Autosomal recessive limb-girdle muscular dystrophy type 2Q; Epidermolysis bullosa simplex, Ogna type; Epidermolysis bullosa simplex with nail dystrophy; Epidermolysis bullosa simplex 5C, with pyloric atresia; Epidermolysis bullosa simplex 5B, with muscular dystrophy. Last evaluated: 2026-02-01. Review status: criteria provided, single submitter. Criteria: Invitae Variant Classification Sherloc (09022015). Collection method: clinical testing. Allele origin: germline.

Blueprint Genetics
Classification: Likely benign. Last evaluated: 2024-10-23. Review status: criteria provided, single submitter. Criteria: ACMG Guidelines, 2015. Collection method: clinical testing. Allele origin: germline.

GeneDx
Classification: Likely benign. Last evaluated: 2016-06-29. Review status: criteria provided, single submitter. Criteria: GeneDx Variant Classification (06012015). Collection method: clinical testing. Allele origin: germline. Affected: yes.
Comment: This variant is considered likely benign or benign based on one or more of the following criteria: it is a conservative change, it occurs at a poorly conserved position in the protein, it is predicted to be benign by multiple in silico algorithms, and/or has population frequency not consistent with disease.